The following is an entry in ClinVar:

ClinVar aggregate classification (germline): Likely pathogenic. Review status: criteria provided, single submitter (1 of 4 stars). 2 submissions from 2 submitters: Likely pathogenic (1). 1 of the submissions does not count toward it. Last evaluated 2024-06-17.

Conditions:
Wolcott-Rallison dysplasia. Also called: MED-IDDM SYNDROME; Wolcott-Rallison syndrome. Identifiers: Orphanet 1667, MedGen C0432217, MONDO:0009192, OMIM 226980.

Submissions (2):

Labcorp Genetics (formerly Invitae), Labcorp
Classification: Likely pathogenic. Last evaluated: 2024-06-17. Review status: criteria provided, single submitter. Criteria: Invitae Variant Classification Sherloc (09022015). Collection method: clinical testing. Allele origin: germline.
Comment: This sequence change affects a donor splice site in intron 14 of the EIF2AK3 gene. It is expected to disrupt RNA splicing. Variants that disrupt the donor or acceptor splice site typically lead to a loss of protein function (PMID: 16199547), and loss-of-function variants in EIF2AK3 are known to be pathogenic (PMID: 11997520). This variant is not present in population databases (gnomAD no frequency). Disruption of this splice site has been observed in individual(s) with clinical features of EIF2AK3-related conditions (PMID: 12960215, 24825091). This variant is also known as IVS14+1G>A. ClinVar contains an entry for this variant (Variation ID: 5876). Algorithms developed to predict the effect of sequence changes on RNA splicing suggest that this variant may disrupt the consensus splice site. In summary, the currently available evidence indicates that the variant is pathogenic, but additional data are needed to prove that conclusively. Therefore, this variant has been classified as Likely Pathogenic.

OMIM
Classification: Pathogenic for WOLCOTT-RALLISON SYNDROME. Last evaluated: 2003-09-01. Review status: no assertion criteria provided. Collection method: literature only. Allele origin: germline. Not counted in ClinVar's aggregate classification.

Literature cited by the submitters: PubMed 16199547 (cited by Labcorp Genetics (formerly Invitae), Labcorp); PubMed 11997520 (cited by Labcorp Genetics (formerly Invitae), Labcorp); PubMed 12960215 (cited by Labcorp Genetics (formerly Invitae), Labcorp and OMIM); PubMed 24825091 (cited by Labcorp Genetics (formerly Invitae), Labcorp); PubMed 7551159 (cited by OMIM).

NM_004836.7(EIF2AK3):c.2985+1G>A

Genes: EIF2AK3-AS1 (EIF2AK3 antisense RNA 1; plus strand), EIF2AK3 (eukaryotic translation initiation factor 2 alpha kinase 3; minus strand). Cytogenetic location: 2p11.2.
Variant type: single nucleotide variant.
Coding change: c.2985+1G>A on transcript NM_004836.7 (MANE Select); the canonical splice donor site of the intron after coding-DNA position 2985, G replaced by A.
Molecular consequence: splice donor variant.
Genome position (GRCh38, 1-based): chr2:88,570,873, C>T on the plus strand (G>A on the coding strand, the complement: EIF2AK3 is on the minus strand). VCF-style: chr2-88570873-C-T. GRCh37 (hg19) VCF-style: chr2-88870391-C-T.
Other names: IVS14DS, G-A, +1; c.2532+1G>A (NM_001313915.2).
Identifiers: ClinVar variation 5876 (VCV000005876.3), dbSNP rs869025179, ClinGen allele CA351491.
Genomic context (GRCh38, chr2:88,570,873, plus strand): 5'-AGAAGAGATTCATCAGGTACATCTGCTGCTGTGCTAGTAAGTAAAGGTCTGAAAAACTCA[C>T]CTGCTCTGGGCTCATATACAGTTTGGTCCCTACTTGTCCTGTGTGTCTGGCATAAGCTGG-3'